The following is an entry in ClinVar:

ClinVar aggregate classification (germline): Likely benign (1 of 4 stars; one submission).

Submission:

CeGaT Center for Human Genetics Tuebingen
Classification: Likely benign. Last evaluated: 2026-07-01. Review status: criteria provided, single submitter. Criteria: CeGaT Center For Human Genetics Tuebingen Variant Classification Criteria Version 2. Collection method: clinical testing. Allele origin: germline. Affected: yes. Observed: 2 variant alleles.
Comment: NOVA2: BP4, BP7

NM_002516.4(NOVA2):c.219C>T (p.Asp73=)

Gene: NOVA2 (NOVA alternative splicing regulator 2; minus strand). Cytogenetic location: 19q13.32.
Variant type: single nucleotide variant.
Coding change: c.219C>T on transcript NM_002516.4 (MANE Select); coding-DNA position 219, C replaced by T.
Protein change: p.Asp73=; no amino-acid change (aspartic acid 73 retained).
Molecular consequence: synonymous variant.
Genome position (GRCh38, 1-based): chr19:45,961,020, G>A on the plus strand (C>T on the coding strand, the complement: NOVA2 is on the minus strand). VCF-style: chr19-45961020-G-A. GRCh37 (hg19) VCF-style: chr19-46464278-G-A.
Identifiers: ClinVar variation 3778056 (VCV003778056.7).